The following is an entry in ClinVar:

NM_000264.5(PTCH1):c.2477T>C (p.Phe826Ser)

Genes: PTCH1 (patched 1; minus strand), LOC100507346 (uncharacterized LOC100507346; plus strand). Cytogenetic location: 9q22.32.
Variant type: single nucleotide variant.
Coding change: c.2477T>C on transcript NM_000264.5 (MANE Select); coding-DNA position 2477, T replaced by C.
Protein change: p.Phe826Ser; replaces phenylalanine 826 with serine.
Molecular consequence: missense variant. On other transcripts: non-coding transcript variant (2).
Genome position (GRCh38, 1-based): chr9:95,467,199, A>G on the plus strand (T>C on the coding strand, the complement: PTCH1 is on the minus strand). VCF-style: chr9-95467199-A-G. GRCh37 (hg19) VCF-style: chr9-98229481-A-G.
Other names: c.2279T>C, p.Phe760Ser (NM_001083602.3); c.2474T>C, p.Phe825Ser (NM_001083603.3); c.2024T>C, p.Phe675Ser (NM_001083604.3, NM_001083605.3, NM_001083606.3 and 1 more transcripts); c.2321T>C, p.Phe774Ser (NM_001354918.2); c.2477T>C (NM_000264.3); short protein forms F675S, F760S, F774S, F825S, F826S.
Identifiers: ClinVar variation 1000881 (VCV001000881.10), dbSNP rs1174748645, ClinGen allele CA374114012.

ClinVar aggregate classification (germline): Uncertain significance. Review status: criteria provided, multiple submitters, no conflicts (2 of 4 stars). 2 submissions from 2 submitters: Uncertain significance (2). Last evaluated 2025-04-02.

Conditions:
Hereditary cancer-predisposing syndrome. Also called: Hereditary neoplastic syndrome; Neoplastic Syndromes, Hereditary; Tumor predisposition; Hereditary Cancer Syndrome. Identifiers: Orphanet 140162, MedGen C0027672, MeSH D009386, MONDO:0015356.
Gorlin syndrome. Also called: Nevoid Basal Cell Carcinoma Syndrome; Basal cell nevus syndrome. Identifiers: Orphanet 377, MedGen C0004779, MONDO:0007187.

gnomAD v4.1: 1 of 1,614,254 alleles (0.000062%); highest among the groups gnomAD compares: Non-Finnish European, 0.000085%; no homozygotes.

Submissions (2):

Ambry Genetics
Classification: Uncertain significance for Hereditary cancer-predisposing syndrome. Last evaluated: 2025-04-02. Review status: criteria provided, single submitter. Criteria: Ambry Variant Classification Scheme 2023. Collection method: clinical testing. Allele origin: germline.
Comment: The p.F826S variant (also known as c.2477T>C), located in coding exon 15 of the PTCH1 gene, results from a T to C substitution at nucleotide position 2477. The phenylalanine at codon 826 is replaced by serine, an amino acid with highly dissimilar properties. This amino acid position is highly conserved in available vertebrate species. In addition, this alteration is predicted to be deleterious by in silico analysis. Based on the available evidence, the clinical significance of this variant remains unclear.

Labcorp Genetics (formerly Invitae), Labcorp
Classification: Uncertain significance for Gorlin syndrome. Last evaluated: 2020-09-08. Review status: criteria provided, single submitter. Criteria: Invitae Variant Classification Sherloc (09022015). Collection method: clinical testing. Allele origin: germline.
Comment: In summary, the available evidence is currently insufficient to determine the role of this variant in disease. Therefore, it has been classified as a Variant of Uncertain Significance. Advanced modeling of protein sequence and biophysical properties (such as structural, functional, and spatial information, amino acid conservation, physicochemical variation, residue mobility, and thermodynamic stability) performed at Invitae indicates that this missense variant is expected to disrupt PTCH1 protein function. This variant has not been reported in the literature in individuals with PTCH1-related conditions. This variant is not present in population databases (ExAC no frequency). This sequence change replaces phenylalanine with serine at codon 826 of the PTCH1 protein (p.Phe826Ser). The phenylalanine residue is moderately conserved and there is a large physicochemical difference between phenylalanine and serine.